The following is an entry in ClinVar:

ClinVar aggregate classification (germline): Uncertain significance (1 of 4 stars; one submission).

Conditions:
Cowden syndrome (CS). Also called: Cowden's disease; Cowden's syndrome; Cowden disease. Identifiers: Orphanet 201, MedGen C0018553, MONDO:0016063. Disease mechanism: gain of function.

Submission:

Labcorp Genetics (formerly Invitae), Labcorp
Classification: Uncertain significance for Cowden syndrome. Last evaluated: 2023-08-16. Review status: criteria provided, single submitter. Criteria: Invitae Variant Classification Sherloc (09022015). Collection method: clinical testing. Allele origin: germline.
Comment: This sequence change replaces glutamic acid, which is acidic and polar, with lysine, which is basic and polar, at codon 476 of the PIK3CA protein (p.Glu476Lys). This variant is not present in population databases (gnomAD no frequency). This variant has not been reported in the literature in individuals affected with PIK3CA-related conditions. Advanced modeling of protein sequence and biophysical properties (such as structural, functional, and spatial information, amino acid conservation, physicochemical variation, residue mobility, and thermodynamic stability) has been performed at Invitae for this missense variant, however the output from this modeling did not meet the statistical confidence thresholds required to predict the impact of this variant on PIK3CA protein function. In summary, the available evidence is currently insufficient to determine the role of this variant in disease. Therefore, it has been classified as a Variant of Uncertain Significance.

NM_006218.4(PIK3CA):c.1426G>A (p.Glu476Lys)

Gene: PIK3CA (phosphatidylinositol-4,5-bisphosphate 3-kinase catalytic subunit alpha; plus strand). Cytogenetic location: 3q26.32.
Variant type: single nucleotide variant.
Coding change: c.1426G>A on transcript NM_006218.4 (MANE Select); coding-DNA position 1426, G replaced by A.
Protein change: p.Glu476Lys; replaces glutamic acid 476 with lysine.
Molecular consequence: missense variant.
Genome position (GRCh38, 1-based): chr3:179,210,452, G>A. VCF-style: chr3-179210452-G-A. GRCh37 (hg19) VCF-style: chr3-178928240-G-A.
Other names: short protein forms E476K.
Identifiers: ClinVar variation 2752945 (VCV002752945.3), dbSNP rs2108401275, ClinGen allele CA355262299.
Genomic context (GRCh38, chr3:179,210,452, plus strand): 5'-CTCTTATGTATATATAATAGCTTTTCTTCCATCTCTTAGGAAACTCCATGCTTAGAGTTG[G>A]AGTTTGACTGGTTCAGCAGTGTGGTAAAGTTCCCAGATATGTCAGTGATTGAAGAGCATG-3'
Protein context (NP_006209.2, residues 466-486): PNKETPCLEL[Glu476Lys]FDWFSSVVKF